The following is an entry in ClinVar:

ClinVar aggregate classification (germline): Uncertain significance (1 of 4 stars; one submission).

gnomAD v4.1: 2 of 1,613,352 alleles (0.00012%); highest among the groups gnomAD compares: South Asian, 0.0011%; no homozygotes.

Submission:

Labcorp Genetics (formerly Invitae), Labcorp
Classification: Uncertain significance. Last evaluated: 2025-08-18. Review status: criteria provided, single submitter. Criteria: Invitae Variant Classification Sherloc (09022015). Collection method: clinical testing. Allele origin: germline.
Comment: This sequence change replaces leucine, which is neutral and non-polar, with phenylalanine, which is neutral and non-polar, at codon 2352 of the KMT2B protein (p.Leu2352Phe). This variant is not present in population databases (gnomAD no frequency). This variant has not been reported in the literature in individuals affected with KMT2B-related conditions. Invitae Evidence Modeling of protein sequence and biophysical properties (such as structural, functional, and spatial information, amino acid conservation, physicochemical variation, residue mobility, and thermodynamic stability) indicates that this missense variant is not expected to disrupt KMT2B protein function with a negative predictive value of 95%. In summary, the available evidence is currently insufficient to determine the role of this variant in disease. Therefore, it has been classified as a Variant of Uncertain Significance.

NM_014727.3(KMT2B):c.7054C>T (p.Leu2352Phe)

Gene: KMT2B (lysine methyltransferase 2B; plus strand). Cytogenetic location: 19q13.12.
Variant type: single nucleotide variant.
Coding change: c.7054C>T on transcript NM_014727.3 (MANE Select); coding-DNA position 7054, C replaced by T.
Protein change: p.Leu2352Phe; replaces leucine 2352 with phenylalanine.
Molecular consequence: missense variant.
Genome position (GRCh38, 1-based): chr19:35,733,767, C>T. VCF-style: chr19-35733767-C-T. GRCh37 (hg19) VCF-style: chr19-36224668-C-T.
Other names: short protein forms L2352F.
Identifiers: ClinVar variation 4804627 (VCV004804627.1).